The following is an entry in ClinVar:

ClinVar aggregate classification (germline): Uncertain significance (0 of 4 stars; one submission).

Allele frequency attached by ClinVar (database versions not stated): gnomAD exomes 0.00001; ESP Exome Variant Server 0.00015; TOPMed 0.00002; ExAC 0.00003.
gnomAD v4.1: 34 of 1,613,978 alleles (0.0021%); highest among the groups gnomAD compares: Non-Finnish European, 0.0026%; no homozygotes.

Submission:

Richard Lifton Laboratory, Yale University School of Medicine
Classification: Uncertain significance. Review status: no assertion criteria provided. Collection method: not provided. Allele origin: somatic.
Comment: TMEM132D
ClinVar note: Converted during submission from unknown to Uncertain significance.

NM_133448.3(TMEM132D):c.315G>T (p.Val105=)

Gene: TMEM132D (transmembrane protein 132D; minus strand). Cytogenetic location: 12q24.33.
Variant type: single nucleotide variant.
Coding change: c.315G>T on transcript NM_133448.3 (MANE Select); coding-DNA position 315, G replaced by T.
Protein change: p.Val105=; no amino-acid change (valine 105 retained).
Molecular consequence: synonymous variant.
Genome position (GRCh38, 1-based): chr12:129,700,463, C>A on the plus strand (G>T on the coding strand, the complement: TMEM132D is on the minus strand). VCF-style: chr12-129700463-C-A. GRCh37 (hg19) VCF-style: chr12-130185008-C-A.
Identifiers: ClinVar variation 92025 (VCV000092025.2), dbSNP rs386352372, ClinGen allele CA232374.